The following is an entry in ClinVar:

NM_001355436.2(SPTB):c.2280A>T (p.Gln760His)

Gene: SPTB (spectrin beta, erythrocytic; minus strand). Cytogenetic location: 14q23.3.
Variant type: single nucleotide variant.
Coding change: c.2280A>T on transcript NM_001355436.2 (MANE Select); coding-DNA position 2280, A replaced by T.
Protein change: p.Gln760His; replaces glutamine 760 with histidine.
Molecular consequence: missense variant.
Genome position (GRCh38, 1-based): chr14:64,793,383, T>A on the plus strand (A>T on the coding strand, the complement: SPTB is on the minus strand). VCF-style: chr14-64793383-T-A. GRCh37 (hg19) VCF-style: chr14-65260101-T-A.
Other names: NM_000347.5:c.2280A>T; c.2280A>T, p.Gln760His (NM_001024858.4, NM_001355437.2); short protein forms Q760H.
Identifiers: ClinVar variation 2663196 (VCV002663196.1), dbSNP rs769469651, ClinGen allele CA390018230.

ClinVar aggregate classification (germline): Uncertain significance (1 of 4 stars; one submission).

Allele frequency attached by ClinVar (database versions not stated): gnomAD 0.00001.
gnomAD v4.1: 3 of 1,612,878 alleles (0.00019%); highest among the groups gnomAD compares: African/African-American, 0.004%; no homozygotes.

Submission:

GeneDx
Classification: Uncertain significance. Last evaluated: 2023-05-05. Review status: criteria provided, single submitter. Criteria: GeneDx Variant Classification Process June 2021. Collection method: clinical testing. Allele origin: germline. Affected: yes.
Comment: In silico analysis supports that this missense variant does not alter protein structure/function; Has not been previously published as pathogenic or benign to our knowledge